The following is an entry in ClinVar:

ClinVar aggregate classification (germline): Pathogenic (1 of 4 stars; one submission).

Conditions:
Spondyloperipheral dysplasia. Also called: SPONDYLOPERIPHERAL DYSPLASIA WITH SHORT ULNA; Spondyloperipheral dysplasia-short ulna syndrome. Identifiers: Orphanet 1856, MedGen C0796173, MONDO:0010078, OMIM 271700.

Submission:

Clinical Genetics and Genomics, Karolinska University Hospital
Classification: Pathogenic for Spondyloperipheral dysplasia. Last evaluated: 2026-04-07. Review status: criteria provided, single submitter. Criteria: ACMG Guidelines, 2015. Collection method: clinical testing. Allele origin: de novo. Affected: yes.
Comment: Donor and acceptor splice site variants typically lead to a loss of protein function (PMID: 16199547), and loss-of-function variants in COL2A1 are known to be pathogenic (PMID: 20179744). This sequence change affects an acceptor splice site in intron 10 of the COL2A1 gene. It is expected to disrupt RNA splicing and likely results in an absent or disrupted protein product. This variant is not present in population databases (gnomAD). Variants affecting the same splice site has been observed in individual(s) with clinical features of COL2A1-related conditions (PMID: 25604898, Variation ID: 1072584, 1198858, 17398).

NM_001844.5(COL2A1):c.709-1G>T

Gene: COL2A1 (collagen type II alpha 1 chain; minus strand). Cytogenetic location: 12q13.11.
Variant type: single nucleotide variant.
Coding change: c.709-1G>T on transcript NM_001844.5 (MANE Select); the canonical splice acceptor site of the intron before coding-DNA position 709, G replaced by T.
Molecular consequence: splice acceptor variant.
Genome position (GRCh38, 1-based): chr12:47,995,309, C>A on the plus strand (G>T on the coding strand, the complement: COL2A1 is on the minus strand). VCF-style: chr12-47995309-C-A. GRCh37 (hg19) VCF-style: chr12-48389092-C-A.
Other names: c.502-1G>T (NM_033150.3).
Identifiers: ClinVar variation 4850917 (VCV004850917.1).